The following is an entry in ClinVar:

NM_001042492.3(NF1):c.3975-8T>C

Gene: NF1 (neurofibromin 1; plus strand). Cytogenetic location: 17q11.2.
Variant type: single nucleotide variant.
Coding change: c.3975-8T>C on transcript NM_001042492.3 (MANE Select); 8 bases into the intron before coding-DNA position 3975, T replaced by C.
Molecular consequence: intron variant.
Genome position (GRCh38, 1-based): chr17:31,248,976, T>C. VCF-style: chr17-31248976-T-C. GRCh37 (hg19) VCF-style: chr17-29575994-T-C.
Other names: c.3975-8T>C (NM_000267.4).
Identifiers: ClinVar variation 1692332 (VCV001692332.1), dbSNP rs1470107394, ClinGen allele CA2573153302.

ClinVar aggregate classification (germline): Uncertain significance (1 of 4 stars; one submission).

Conditions:
Hereditary cancer-predisposing syndrome. Also called: Hereditary Cancer Syndrome; Hereditary neoplastic syndrome; Neoplastic Syndromes, Hereditary; Tumor predisposition. Identifiers: Orphanet 140162, MedGen C0027672, MeSH D009386, MONDO:0015356.

Submission:

Sema4
Classification: Uncertain significance for Hereditary cancer-predisposing syndrome. Last evaluated: 2021-06-19. Review status: criteria provided, single submitter. Criteria: Sema4 Curation Guidelines. Collection method: curation. Allele origin: germline.
Comment: The NF1 c.3975-8T>C variant has not been reported in literature to our knowledge. This variant was not observed in the large and broad cohorts of the Genome Aggregation Database (PMID: 32461654). This variant has not been reported in ClinVar. In silico tools suggest that this variant has no impact on normal RNA splicing, though these predictions have not been confirmed by functional studies. The overall evidence is insufficient to meet ACMG/AMP criteria for classifying it as benign or pathogenic. In summary, the clinical significance of this variant is currently uncertain.